The following is an entry in ClinVar:

ClinVar aggregate classification (germline): Uncertain significance (1 of 4 stars; one submission).

gnomAD v4.1: 4 of 1,613,686 alleles (0.00025%); highest among the groups gnomAD compares: South Asian, 0.0022%; no homozygotes.

Submission:

Dasa
Classification: Uncertain significance. Last evaluated: 2025-05-21. Review status: criteria provided, single submitter. Criteria: DASA Assertion Criteria. Collection method: clinical testing. Allele origin: germline.
Comment: NM_001368809.2(AMPD2):c.578C>T (p.Ala193Val) is a missense variant that results in the substitution of alanine with valine. This variant is rare in population databases. Computational prediction algorithms are consistent with a benign effect. The currently available literature and clinical evidence are not sufficient to establish a definitive association between this variant and the reported condition. Therefore, this variant is classified as a variant of uncertain significance.

NM_001368809.2(AMPD2):c.578C>T (p.Ala193Val)

Gene: AMPD2 (adenosine monophosphate deaminase 2; plus strand). Cytogenetic location: 1p13.3.
Variant type: single nucleotide variant.
Coding change: c.578C>T on transcript NM_001368809.2 (MANE Select); coding-DNA position 578, C replaced by T.
Protein change: p.Ala193Val; replaces alanine 193 with valine.
Molecular consequence: missense variant.
Genome position (GRCh38, 1-based): chr1:109,626,772, C>T. VCF-style: chr1-109626772-C-T. GRCh37 (hg19) VCF-style: chr1-110169394-C-T.
Other names: c.386C>T, p.Ala129Val (NM_001257361.2); c.515C>T, p.Ala172Val (NM_001308170.1); c.578C>T, p.Ala193Val (NM_004037.9); c.497C>T, p.Ala166Val (NM_139156.4); short protein forms A129V, A166V, A172V, A193V.
Identifiers: ClinVar variation 4885161 (VCV004885161.2).